The following is an entry in ClinVar:

ClinVar aggregate classification (germline): Uncertain significance (1 of 4 stars; one submission).

Conditions:
Inborn genetic diseases. Identifiers: MedGen C0950123, MeSH D030342.

Submission:

Ambry Genetics
Classification: Uncertain significance for Inborn genetic diseases. Last evaluated: 2026-07-30. Review status: criteria provided, single submitter. Criteria: Ambry Variant Classification Scheme 2023. Collection method: clinical testing. Allele origin: germline.
Comment: The p.L812H variant (also known as c.2435T>A), located in coding exon 26 of the FANCA gene, results from a T to A substitution at nucleotide position 2435. The leucine at codon 812 is replaced by histidine, an amino acid with similar properties. This amino acid position is conserved. In addition, the in silico prediction for this alteration is inconclusive. Based on the available evidence, the clinical significance of this variant remains unclear.

NM_000135.4(FANCA):c.2435T>A (p.Leu812His)

Gene: FANCA (FA complementation group A; minus strand). Cytogenetic location: 16q24.3.
Variant type: single nucleotide variant.
Coding change: c.2435T>A on transcript NM_000135.4 (MANE Select); coding-DNA position 2435, T replaced by A.
Protein change: p.Leu812His; replaces leucine 812 with histidine.
Molecular consequence: missense variant.
Genome position (GRCh38, 1-based): chr16:89,769,906, A>T on the plus strand (T>A on the coding strand, the complement: FANCA is on the minus strand). VCF-style: chr16-89769906-A-T. GRCh37 (hg19) VCF-style: chr16-89836314-A-T.
Other names: c.2435T>A, p.Leu812His (NM_001286167.3); short protein forms L812H.
Identifiers: ClinVar variation 5036385 (VCV005036385.1).